The following is an entry in ClinVar:

ClinVar aggregate classification (germline): Uncertain significance. Review status: criteria provided, multiple submitters, no conflicts (2 of 4 stars). 2 submissions from 2 submitters: Uncertain significance (2). Last evaluated 2025-09-11.

Conditions:
Polyhydramnios, megalencephaly, and symptomatic epilepsy (PMSE). Also called: PMSE SYNDROME. Identifiers: Orphanet 500533, MedGen C1970203, MONDO:0012611, OMIM 611087.
Inborn genetic diseases. Identifiers: MedGen C0950123, MeSH D030342.

gnomAD v4.1: 7 of 1,612,454 alleles (0.00043%); highest among the groups gnomAD compares: Non-Finnish European, 0.00059%; no homozygotes.

Submissions (2):

Ambry Genetics
Classification: Uncertain significance for Inborn genetic diseases. Last evaluated: 2025-09-11. Review status: criteria provided, single submitter. Criteria: Ambry Variant Classification Scheme 2023. Collection method: clinical testing. Allele origin: germline.

Labcorp Genetics (formerly Invitae), Labcorp
Classification: Uncertain significance for Polyhydramnios, megalencephaly, and symptomatic epilepsy. Last evaluated: 2022-06-24. Review status: criteria provided, single submitter. Criteria: Invitae Variant Classification Sherloc (09022015). Collection method: clinical testing. Allele origin: germline.
Comment: In summary, the available evidence is currently insufficient to determine the role of this variant in disease. Therefore, it has been classified as a Variant of Uncertain Significance. Algorithms developed to predict the effect of missense changes on protein structure and function are either unavailable or do not agree on the potential impact of this missense change (SIFT: "Tolerated"; PolyPhen-2: "Probably Damaging"; Align-GVGD: "Class C0"). ClinVar contains an entry for this variant (Variation ID: 939258). This variant has not been reported in the literature in individuals affected with STRADA-related conditions. This variant is present in population databases (no rsID available, gnomAD 0.0009%). This sequence change replaces proline, which is neutral and non-polar, with arginine, which is basic and polar, at codon 364 of the STRADA protein (p.Pro364Arg).

NM_001003787.4(STRADA):c.1091C>G (p.Pro364Arg)

Gene: STRADA (STE20 related adaptor alpha; minus strand). Cytogenetic location: 17q23.3.
Variant type: single nucleotide variant.
Coding change: c.1091C>G on transcript NM_001003787.4 (MANE Select); coding-DNA position 1091, C replaced by G.
Protein change: p.Pro364Arg; replaces proline 364 with arginine.
Molecular consequence: missense variant. On other transcripts: non-coding transcript variant (1), intron variant (6).
Genome position (GRCh38, 1-based): chr17:63,704,350, G>C on the plus strand (C>G on the coding strand, the complement: STRADA is on the minus strand). VCF-style: chr17-63704350-G-C. GRCh37 (hg19) VCF-style: chr17-61781710-G-C.
Other names: c.980C>G, p.Pro327Arg (NM_001003786.3, NM_153335.6); c.917C>G, p.Pro306Arg (NM_001003788.3); c.1067C>G, p.Pro356Arg (NM_001363786.1); c.1004C>G, p.Pro335Arg (NM_001363787.1); c.898+82C>G (NM_001363789.1); c.835+82C>G (NM_001363790.1, NM_001363791.1); c.922+82C>G (NM_001165969.2); c.877+82C>G (NM_001165970.2); and 1 more; short protein forms P335R, P356R, P327R, P306R, P364R.
Identifiers: ClinVar variation 939258 (VCV000939258.10), dbSNP rs775610521, ClinGen allele CA400586574.